The following is an entry in ClinVar:

ClinVar aggregate classification (germline): Pathogenic. Review status: criteria provided, multiple submitters, no conflicts (2 of 4 stars). 6 submissions from 6 submitters: Pathogenic (2). 4 of the submissions do not count toward it. Last evaluated 2025-05-12.

Conditions:
Pituitary hormone deficiency, combined, 2. Also called: PROP1-Related Combined Pituitary Hormone Deficiency; PITUITARY DWARFISM III; ATELIOTIC DWARFISM WITH HYPOGONADISM; HANHART DWARFISM. Identifiers: MedGen C0878683, MONDO:0009878, OMIM 262600.

Submissions (6):

Natera, Inc.
Classification: Pathogenic for Combined pituitary hormone deficiency type 2. Last evaluated: 2025-05-12. Review status: criteria provided, single submitter. Criteria: Natera Variant Classification Schema (03/2026). Collection method: clinical testing. Allele origin: germline.
Comment: The c.112_124delTCGAGTGCTCCAC variant in PROP1 is a frameshift variant predicted to shift the reading frame beginning at codon 38 and leads to a stop codon 123 codons downstream. This variant is expected to result in a truncated or dysfunctional protein product. This variant is rare in the general population with a frequency below the threshold expected for the associated phenotype(s). This variant has been observed in one or more individuals affected with the associated recessive disease, as either homozygous or compound heterozygous with a second variant (PMID: 27756091, 15963055). This variant has been observed to segregate in affected family members (PMID: 11134108, 15963055). This variant has been identified in one or more affected individual with a phenotype highly consistent with the associated gene (PMID: 27756091, 15963055). Given the available evidence, this variant is classified as Pathogenic.

Labcorp Genetics (formerly Invitae), Labcorp
Classification: Pathogenic. Last evaluated: 2023-11-25. Review status: criteria provided, single submitter. Criteria: Invitae Variant Classification Sherloc (09022015). Collection method: clinical testing. Allele origin: germline.
Comment: This sequence change creates a premature translational stop signal (p.Ser38Profs*123) in the PROP1 gene. While this is not anticipated to result in nonsense mediated decay, it is expected to disrupt the last 189 amino acid(s) of the PROP1 protein. This variant is present in population databases (rs587776682, gnomAD 0.003%). This premature translational stop signal has been observed in individuals with pituitary hormone deficiency (PMID: 11134108, 15963055). It has also been observed to segregate with disease in related individuals. ClinVar contains an entry for this variant (Variation ID: 8101). For these reasons, this variant has been classified as Pathogenic.

Counsyl
Classification: Pathogenic for Pituitary hormone deficiency, combined, 2. Last evaluated: 2016-08-03. Review status: no assertion criteria provided. Collection method: clinical testing. Allele origin: unknown. Not counted in ClinVar's aggregate classification.

Endocrinology Clinic, Seth G.S. Medical College
Classification: Likely pathogenic for Pituitary hormone deficiency, combined 2. Last evaluated: 2013-10-31. Review status: no assertion criteria provided. Collection method: case-control. Allele origin: inherited. Inheritance: Autosomal recessive inheritance. Affected: yes. Observed: 1 homozygote. Not counted in ClinVar's aggregate classification.

OMIM
Classification: Pathogenic for PITUITARY HORMONE DEFICIENCY, COMBINED, 2. Last evaluated: 2000-12-01. Review status: no assertion criteria provided. Collection method: literature only. Allele origin: germline. Not counted in ClinVar's aggregate classification.

GeneReviews
No classification provided. Condition: Pituitary hormone deficiency, combined, 2. Review status: no classification provided. Collection method: literature only. Allele origin: germline. Not counted in ClinVar's aggregate classification.
Comment: Possible founder variant on Indian subcontinent [Turton et al 2005]

Literature cited by the submitters: PubMed 27756091 (cited by Natera, Inc.); PubMed 15963055 (cited by 4 submitters); PubMed 11134108 (cited by 3 submitters); NCBI Bookshelf NBK1347 (cited by GeneReviews).

NM_006261.5(PROP1):c.112_124del (p.Ser38fs)

Gene: PROP1 (PROP paired-like homeobox 1; minus strand). Cytogenetic location: 5q35.3.
Variant type: Deletion.
Coding change: c.112_124del on transcript NM_006261.5 (MANE Select); coding-DNA positions 112 to 124, 13 bases deleted (TCGAGTGCTCCAC).
Protein change: p.Ser38fs; shifts the reading frame from serine 38.
Molecular consequence: frameshift variant.
Genome position (GRCh38, 1-based): chr5:177,994,324-177,994,336, GTGGAGCACTCGA deleted on the plus strand (TCGAGTGCTCCAC on the coding strand, the reverse complement: PROP1 is on the minus strand); deleting any 13 consecutive bases within chr5:177,994,324-177,994,338 gives the same sequence; the c. name uses the placement nearest the transcript's 3' end. VCF-style (leftmost placement, unchanged base first): chr5-177994323-GGTGGAGCACTCGA-G. GRCh37 (hg19) VCF-style: chr5-177421324-GGTGGAGCACTCGA-G.
Other names: c.112_124del13 (NM_006261.4); c.112_124delTCGAGTGCTCCAC (NM_006261.4); short protein forms S38fs.
Identifiers: ClinVar variation 8101 (VCV000008101.16), dbSNP rs587776682, ClinGen allele CA340729.